The following is an entry in ClinVar:

ClinVar aggregate classification (germline): Uncertain significance (1 of 4 stars; one submission).

Submission:

Labcorp Genetics (formerly Invitae), Labcorp
Classification: Uncertain significance. Last evaluated: 2025-06-08. Review status: criteria provided, single submitter. Criteria: Invitae Variant Classification Sherloc (09022015). Collection method: clinical testing. Allele origin: germline.
Comment: This sequence change replaces isoleucine, which is neutral and non-polar, with asparagine, which is neutral and polar, at codon 1132 of the KMT2A protein (p.Ile1132Asn). This variant is not present in population databases (gnomAD no frequency). This variant has not been reported in the literature in individuals affected with KMT2A-related conditions. Invitae Evidence Modeling of protein sequence and biophysical properties (such as structural, functional, and spatial information, amino acid conservation, physicochemical variation, residue mobility, and thermodynamic stability) has been performed for this missense variant. However, the output from this modeling did not meet the statistical confidence thresholds required to predict the impact of this variant on KMT2A protein function. In summary, the available evidence is currently insufficient to determine the role of this variant in disease. Therefore, it has been classified as a Variant of Uncertain Significance.

NM_001197104.2(KMT2A):c.3395T>A (p.Ile1132Asn)

Gene: KMT2A (lysine methyltransferase 2A; plus strand). Cytogenetic location: 11q23.3.
Variant type: single nucleotide variant.
Coding change: c.3395T>A on transcript NM_001197104.2 (MANE Select); coding-DNA position 3395, T replaced by A.
Protein change: p.Ile1132Asn; replaces isoleucine 1132 with asparagine.
Molecular consequence: missense variant.
Genome position (GRCh38, 1-based): chr11:118,478,027, T>A. VCF-style: chr11-118478027-T-A. GRCh37 (hg19) VCF-style: chr11-118348742-T-A.
Other names: c.3494T>A, p.Ile1165Asn (NM_001412597.1); c.3395T>A, p.Ile1132Asn (NM_005933.4); short protein forms I1132N, I1165N.
Identifiers: ClinVar variation 4800530 (VCV004800530.1).